The following is an entry in ClinVar:

NM_007289.4(MME):c.1515T>G (p.Asp505Glu)

Gene: MME (membrane metalloendopeptidase; plus strand). Cytogenetic location: 3q25.2.
Variant type: single nucleotide variant.
Coding change: c.1515T>G on transcript NM_007289.4 (MANE Select); coding-DNA position 1515, T replaced by G.
Protein change: p.Asp505Glu; replaces aspartic acid 505 with glutamic acid.
Molecular consequence: missense variant.
Genome position (GRCh38, 1-based): chr3:155,148,567, T>G. VCF-style: chr3-155148567-T-G. GRCh37 (hg19) VCF-style: chr3-154866356-T-G.
Other names: c.1515T>G, p.Asp505Glu (NM_000902.5, NM_001354642.2, NM_001354643.1 and 2 more transcripts); short protein forms D505E.
Identifiers: ClinVar variation 452354 (VCV000452354.2), dbSNP rs1041840058, ClinGen allele CA85833784.
Genomic context (GRCh38, chr3:155,148,567, plus strand): 5'-TACCGGTTTTAATATTTCTTCCCAAATCTTCTTTATAATACAGTTGAACTACAAAGAAGA[T>G]GAATACTTCGAGAACATAATTCAAAATTTGAAATTCAGCCAAAGTAAACAACTGAAGAAG-3'
Protein context (NP_009220.2, residues 495-515): NEYLELNYKE[Asp505Glu]EYFENIIQNL

ClinVar aggregate classification (germline): Uncertain significance (1 of 4 stars; one submission).

Allele frequency attached by ClinVar (database versions not stated): TOPMed below 0.00001; gnomAD 0.00001; gnomAD exomes 0.00002.
gnomAD v4.1: 35 of 1,607,258 alleles (0.0022%); highest among the groups gnomAD compares: Non-Finnish European, 0.003%; no homozygotes.

Submission:

GeneDx
Classification: Uncertain significance. Last evaluated: 2017-09-29. Review status: criteria provided, single submitter. Criteria: GeneDx Variant Classification (06012015). Collection method: clinical testing. Allele origin: germline. Affected: yes.
Comment: The D505E variant in the MME gene has not been reported previously as a pathogenic variant, nor as a benign variant, to our knowledge. The D505E variant is not observed in large population cohorts (Lek et al., 2016). The D505E variant is a conservative amino acid substitution, which is not likely to impact secondary protein structure as these residues share similar properties. This substitution occurs at a position that is not conserved and in silico analysis is inconsistent in its predictions as to whether or not the variant is damaging to the protein structure/function. We interpret D505E as a variant of uncertain significance.